The following is an entry in ClinVar:

ClinVar aggregate classification (germline): Likely benign (1 of 4 stars; one submission).

Conditions:
EFTUD2-related disorder. Also called: EFTUD2-related condition.

gnomAD v4.1: 18 of 1,611,188 alleles (0.0011%); highest among the groups gnomAD compares: Non-Finnish European, 0.0015%; no homozygotes.

Submission:

PreventionGenetics, part of Exact Sciences
Classification: Likely benign for EFTUD2-related condition. Last evaluated: 2026-09-11. Review status: criteria provided, single submitter. Criteria: ACMG Guidelines, 2015. Collection method: clinical testing. Allele origin: germline.
Comment: This variant is classified as likely benign based on ACMG/AMP sequence variant interpretation guidelines (Richards et al. 2015 PMID: 25741868, with internal and published modifications).

NM_004247.4(EFTUD2):c.1719+4G>A

Gene: EFTUD2 (elongation factor Tu GTP binding domain containing 2; minus strand). Cytogenetic location: 17q21.31.
Variant type: single nucleotide variant.
Coding change: c.1719+4G>A on transcript NM_004247.4 (MANE Select); 4 bases into the intron after coding-DNA position 1719, G replaced by A.
Molecular consequence: intron variant.
Genome position (GRCh38, 1-based): chr17:44,860,428, C>T on the plus strand (G>A on the coding strand, the complement: EFTUD2 is on the minus strand). VCF-style: chr17-44860428-C-T. GRCh37 (hg19) VCF-style: chr17-42937796-C-T.
Other names: c.1614+4G>A (NM_001142605.2); c.1689+4G>A (NM_001258354.2); c.1719+4G>A (NM_001258353.2).
Identifiers: ClinVar variation 4987607 (VCV004987607.1).